The following is an entry in ClinVar:

ClinVar aggregate classification (germline): Uncertain significance (1 of 4 stars; one submission).

Allele frequency attached by ClinVar (database versions not stated): TOPMed below 0.00001.

Submission:

Labcorp Genetics (formerly Invitae), Labcorp
Classification: Uncertain significance. Last evaluated: 2023-11-03. Review status: criteria provided, single submitter. Criteria: Invitae Variant Classification Sherloc (09022015). Collection method: clinical testing. Allele origin: germline.
Comment: This sequence change replaces aspartic acid, which is acidic and polar, with glutamic acid, which is acidic and polar, at codon 1763 of the FBN3 protein (p.Asp1763Glu). This variant is not present in population databases (gnomAD no frequency). This variant has not been reported in the literature in individuals affected with FBN3-related conditions. An algorithm developed to predict the effect of missense changes on protein structure and function (PolyPhen-2) suggests that this variant is likely to be disruptive. In summary, the available evidence is currently insufficient to determine the role of this variant in disease. Therefore, it has been classified as a Variant of Uncertain Significance.

NM_032447.5(FBN3):c.5289T>G (p.Asp1763Glu)

Gene: FBN3 (fibrillin 3; minus strand). Cytogenetic location: 19p13.2.
Variant type: single nucleotide variant.
Coding change: c.5289T>G on transcript NM_032447.5 (MANE Select); coding-DNA position 5289, T replaced by G.
Protein change: p.Asp1763Glu; replaces aspartic acid 1763 with glutamic acid.
Molecular consequence: missense variant.
Genome position (GRCh38, 1-based): chr19:8,097,005, A>C on the plus strand (T>G on the coding strand, the complement: FBN3 is on the minus strand). VCF-style: chr19-8097005-A-C. GRCh37 (hg19) VCF-style: chr19-8161889-A-C.
Other names: c.5289T>G, p.Asp1763Glu (NM_001321431.2); short protein forms D1763E.
Identifiers: ClinVar variation 3015654 (VCV003015654.3), dbSNP rs898327143, ClinGen allele CA304966649.
Genomic context (GRCh38, chr19:8,097,005, plus strand): 5'-GATGTTGATGCAGTCAGCATTCTGCTGGCAGGGACTCTCCCTGCTGCCACACTCATCGAC[A>C]TCTGGGAAAATACAGCAAATGAGGTGGGGGTGACAGAGAAGCCCATCCTGACAGAATCAA-3'
Protein context (NP_115823.3, residues 1753-1773): NYNSILLACE[Asp1763Glu]VDECGSRESP